The following is an entry in ClinVar:

ClinVar aggregate classification (germline): Uncertain significance. Review status: criteria provided, multiple submitters, no conflicts (2 of 4 stars). 2 submissions from 2 submitters: Uncertain significance (2). Last evaluated 2025-02-13.

Allele frequency attached by ClinVar (database versions not stated): gnomAD exomes below 0.00001; ExAC 0.00001; TOPMed 0.00001; gnomAD 0.00002.
gnomAD v4.1: 4 of 1,614,082 alleles (0.00025%); highest among the groups gnomAD compares: African/African-American, 0.0053%; no homozygotes.

Submissions (2):

GeneDx
Classification: Uncertain significance. Last evaluated: 2025-02-13. Review status: criteria provided, single submitter. Criteria: GeneDx Variant Classification Process June 2021. Collection method: clinical testing. Allele origin: germline. Affected: yes.
Comment: Not observed at significant frequency in large population cohorts (gnomAD); In silico analysis supports that this missense variant has a deleterious effect on protein structure/function; Has not been previously published as pathogenic or benign to our knowledge

Labcorp Genetics (formerly Invitae), Labcorp
Classification: Uncertain significance. Last evaluated: 2022-03-10. Review status: criteria provided, single submitter. Criteria: Invitae Variant Classification Sherloc (09022015). Collection method: clinical testing. Allele origin: germline.
Comment: This sequence change replaces threonine, which is neutral and polar, with alanine, which is neutral and non-polar, at codon 1591 of the OTOF protein (p.Thr1591Ala). This variant is present in population databases (rs752497265, gnomAD 0.007%). This variant has not been reported in the literature in individuals affected with OTOF-related conditions. Algorithms developed to predict the effect of missense changes on protein structure and function are either unavailable or do not agree on the potential impact of this missense change (SIFT: "Deleterious"; PolyPhen-2: "Benign"; Align-GVGD: "Class C0"). In summary, the available evidence is currently insufficient to determine the role of this variant in disease. Therefore, it has been classified as a Variant of Uncertain Significance.

NM_194248.3(OTOF):c.4771A>G (p.Thr1591Ala)

Gene: OTOF (otoferlin; minus strand). Cytogenetic location: 2p23.3.
Variant type: single nucleotide variant.
Coding change: c.4771A>G on transcript NM_194248.3 (MANE Select); coding-DNA position 4771, A replaced by G.
Protein change: p.Thr1591Ala; replaces threonine 1591 with alanine.
Molecular consequence: missense variant.
Genome position (GRCh38, 1-based): chr2:26,465,700, T>C on the plus strand (A>G on the coding strand, the complement: OTOF is on the minus strand). VCF-style: chr2-26465700-T-C. GRCh37 (hg19) VCF-style: chr2-26688568-T-C.
Other names: c.4771A>G, p.Thr1591Ala (NM_001287489.2); c.2470A>G, p.Thr824Ala (NM_004802.4, NM_194323.3); c.2701A>G, p.Thr901Ala (NM_194322.3); short protein forms T901A, T1591A, T824A.
Identifiers: ClinVar variation 1963787 (VCV001963787.3), dbSNP rs752497265, ClinGen allele CA1563051.